The following is an entry in ClinVar:

NM_005051.3(QARS1):c.2277+3G>A

Gene: QARS1 (glutaminyl-tRNA synthetase 1; minus strand). Cytogenetic location: 3p21.31.
Variant type: single nucleotide variant.
Coding change: c.2277+3G>A on transcript NM_005051.3 (MANE Select); 3 bases into the intron after coding-DNA position 2277, G replaced by A.
Molecular consequence: intron variant.
Genome position (GRCh38, 1-based): chr3:49,097,989, C>T on the plus strand (G>A on the coding strand, the complement: QARS1 is on the minus strand). VCF-style: chr3-49097989-C-T. GRCh37 (hg19) VCF-style: chr3-49135422-C-T.
Other names: c.2244+3G>A (NM_001272073.2).
Identifiers: ClinVar variation 1038591 (VCV001038591.5), dbSNP rs2042412962, ClinGen allele CA1363328120.

ClinVar aggregate classification (germline): Uncertain significance (1 of 4 stars; one submission).

Conditions:
Diffuse cerebral and cerebellar atrophy - intractable seizures - progressive microcephaly syndrome. Also called: Microcephaly, progressive, with seizures and cerebral and cerebellar atrophy. Identifiers: Orphanet 404437, MedGen C4014239, MONDO:0014335, OMIM 615760.

Allele frequency attached by ClinVar (database versions not stated): gnomAD exomes below 0.00001.
gnomAD v4.1: 1 of 1,614,106 alleles (0.000062%); highest among the groups gnomAD compares: South Asian, 0.0011%; no homozygotes.

Submission:

Labcorp Genetics (formerly Invitae), Labcorp
Classification: Uncertain significance for Diffuse cerebral and cerebellar atrophy - intractable seizures - progressive microcephaly syndrome. Last evaluated: 2020-07-31. Review status: criteria provided, single submitter. Criteria: Invitae Variant Classification Sherloc (09022015). Collection method: clinical testing. Allele origin: germline.
Comment: This sequence change falls in intron 23 of the QARS gene. It does not directly change the encoded amino acid sequence of the QARS protein, but it affects a nucleotide within the consensus splice site of the intron. This variant is not present in population databases (ExAC no frequency). In summary, the available evidence is currently insufficient to determine the role of this variant in disease. Therefore, it has been classified as a Variant of Uncertain Significance. Nucleotide substitutions within the consensus splice site are a relatively common cause of aberrant splicing (PMID: 17576681, 9536098). Algorithms developed to predict the effect of sequence changes on RNA splicing suggest that this variant may create or strengthen a splice site, but this prediction has not been confirmed by published transcriptional studies. This variant has not been reported in the literature in individuals with QARS-related conditions.

Literature cited by the submitters: PubMed 17576681; PubMed 9536098.